The following is an entry in ClinVar:

ClinVar aggregate classification (germline): Pathogenic (1 of 4 stars; one submission).

Submission:

GeneDx
Classification: Pathogenic. Last evaluated: 2018-06-25. Review status: criteria provided, single submitter. Criteria: GeneDx Variant Classification (06012015). Collection method: clinical testing. Allele origin: germline. Affected: yes.
Comment: The c.8826delG variant in the KMT2D gene has not been reported previously as a pathogenic variant nor as a benign variant, to our knowledge. The c.8826delG variant causes a frameshift starting with codon Asparagine 2943, changes this amino acid to a Threonine residue, and creates a premature Stop codon at position 61 of the new reading frame, denoted p.Asn2943ThrfsX61. This variant is predicted to cause loss of normal protein function either through protein truncation or nonsense-mediated mRNA decay. The c.8826delG variant is not observed in large population cohorts (Lek et al., 2016). We interpret c.8826delG as a pathogenic variant.

NM_003482.4(KMT2D):c.8826del (p.Asn2943fs)

Gene: KMT2D (lysine methyltransferase 2D; minus strand). Cytogenetic location: 12q13.12.
Variant type: Deletion.
Coding change: c.8826del on transcript NM_003482.4 (MANE Select); coding-DNA position 8826, one base deleted (G; older notation c.8826delG).
Protein change: p.Asn2943fs; shifts the reading frame from asparagine 2943.
Molecular consequence: frameshift variant.
Genome position (GRCh38, 1-based): chr12:49,038,530, C deleted on the plus strand (G on the coding strand, the reverse complement: KMT2D is on the minus strand). VCF-style (leftmost placement, unchanged base first): chr12-49038529-TC-T. GRCh37 (hg19) VCF-style: chr12-49432312-TC-T.
Other names: short protein forms N2943fs.
Identifiers: ClinVar variation 817121 (VCV000817121.1), dbSNP rs1592131399, ClinGen allele CA915948320.